The following is an entry in ClinVar:

NM_020975.6(RET):c.1881T>A (p.Asp627Glu)

Gene: RET (ret proto-oncogene; plus strand). Cytogenetic location: 10q11.21.
Variant type: single nucleotide variant.
Coding change: c.1881T>A on transcript NM_020975.6 (MANE Select); coding-DNA position 1881, T replaced by A.
Protein change: p.Asp627Glu; replaces aspartic acid 627 with glutamic acid.
Molecular consequence: missense variant. On other transcripts: intron variant (4).
Genome position (GRCh38, 1-based): chr10:43,114,481, T>A. VCF-style: chr10-43114481-T-A. GRCh37 (hg19) VCF-style: chr10-43609929-T-A.
Other names: c.1119T>A, p.Asp373Glu (NM_001355216.2); c.1881T>A, p.Asp627Glu (NM_001406743.1, NM_001406744.1, NM_001406759.1 and 2 more transcripts); c.1752T>A, p.Asp584Glu (NM_001406761.1, NM_001406762.1, NM_001406764.1); c.1593T>A, p.Asp531Glu (NM_001406766.1, NM_001406767.1, NM_001406770.1); c.1485T>A, p.Asp495Glu (NM_001406769.1, NM_001406772.1); c.696T>A, p.Asp232Glu (NM_001406790.1, NM_001406788.1, NM_001406789.1); c.576T>A, p.His192Gln (NM_001406791.1); c.432T>A, p.Asp144Glu (NM_001406792.1, NM_001406793.1, NM_001406794.1); and 10 more; short protein forms D144E, D232E, D285E, D297E, D328E, D373E, D385E, D452E.
Identifiers: ClinVar variation 4757095 (VCV004757095.1).

ClinVar aggregate classification (germline): Uncertain significance (1 of 4 stars; one submission).

Conditions:
Multiple endocrine neoplasia, type 2 (MEN2). Identifiers: Orphanet 653, MedGen C4048306, MONDO:0019003. Disease mechanism: gain of function.

Submission:

Color Diagnostics, LLC DBA Color Health
Classification: Uncertain significance for Multiple endocrine neoplasia, type 2. Last evaluated: 2025-06-23. Review status: criteria provided, single submitter. Criteria: ACMG Guidelines, 2015. Collection method: clinical testing. Allele origin: germline.
Comment: This missense variant replaces aspartic acid with glutamic acid at codon 627 of the RET protein. Computational prediction suggests that this variant may not impact protein structure and function. To our knowledge, functional studies have not been reported for this variant. This variant has not been reported in individuals affected with RET-related disorders in the literature. This variant has not been identified in the general population by the Genome Aggregation Database (gnomAD). The available evidence is insufficient to determine the role of this variant in disease conclusively. Therefore, this variant is classified as a Variant of Uncertain Significance.